The following is an entry in ClinVar:

ClinVar aggregate classification (germline): Uncertain significance. Review status: criteria provided, multiple submitters, no conflicts (2 of 4 stars). 3 submissions from 3 submitters: Uncertain significance (3). Last evaluated 2025-10-01.

Conditions:
Anemia, nonspherocytic hemolytic, due to G6PD deficiency (CNSHA1). Also called: Hemolytic anemia due to G6PD deficiency; Class I glucose-6-phosphate dehydrogenase deficiency; Favism, susceptibility to; ANEMIA, CONGENITAL, NONSPHEROCYTIC HEMOLYTIC, 1. Identifiers: Orphanet 466026, MedGen C2720289, MONDO:0010480, OMIM 300908.

Allele frequency attached by ClinVar (database versions not stated): TOPMed below 0.00001; gnomAD 0.00001; ExAC 0.00002; gnomAD exomes 0.00001.
gnomAD v4.1: 9 of 1,210,577 alleles (0.00074%); highest among the groups gnomAD compares: Admixed American, 0.0043%; no homozygotes.

Submissions (3):

Mayo Clinic Laboratories, Mayo Clinic
Classification: Uncertain significance. Last evaluated: 2025-10-01. Review status: criteria provided, single submitter. Criteria: ACMG Guidelines, 2015. Collection method: clinical testing. Allele origin: germline. Observed: 1 variant allele.
Comment: PM2_supporting

Women's Health and Genetics/Laboratory Corporation of America, LabCorp
Classification: Uncertain significance. Last evaluated: 2023-08-30. Review status: criteria provided, single submitter. Criteria: LabCorp Variant Classification Summary - May 2015. Collection method: clinical testing. Allele origin: germline.
Comment: Variant summary: G6PD c.1078C>T (p.Arg360Cys), also known as c.988C>T (p.Arg330Cys), results in a non-conservative amino acid change located in the Glucose-6-phosphate dehydrogenase, C-terminal domain (IPR022675) of the encoded protein sequence. Three of five in-silico tools predict a damaging effect of the variant on protein function. The variant allele was found at a frequency of 1.6e-05 in 182645 control chromosomes, including 1 hemizygote (gnomAD). The available data on variant occurrences in the general population are insufficient to allow any conclusion about variant significance. c.1078C>T has been reported in the literature in at least hemizygotic individual affected with Dehydrated Hereditary Stomatocytosis. This individual also carried another variant (PIEZO1: c.6328C>T p.Arg2110Trp]) that was more congruent with the observed phenotype (Russo_2018). This report does not provide unequivocal conclusions about association of the variant with Glucose 6 Phosphate Dehydrogenase Deficiency. To our knowledge, no experimental evidence demonstrating an impact on protein function has been reported. The following publication has been ascertained in the context of this evaluation (PMID: 29396846). No submitters have cited clinical-significance assessments for this variant to ClinVar after 2014. Based on the evidence outlined above, the variant was classified as uncertain significance.

Dunham Lab, University of Washington
Classification: Uncertain significance for Anemia, nonspherocytic hemolytic, due to G6PD deficiency. Review status: criteria provided, single submitter. Criteria: Bayesian ACMG Guidelines, 2018. Collection method: curation. Allele origin: unknown.
Comment: SIFT predicts as damaging (0.01), PolyPhen2 as possibly damaging (0.480) (PP3). Below expected carrier frequency in gnomAD (PM2). Post_P 0.325 (odds of pathogenicity 4.33, Prior_P 0.1).

Literature cited by the submitters: PubMed 29396846 (cited by 3 submitters).

NM_001360016.2(G6PD):c.988C>T (p.Arg330Cys)

Gene: G6PD (glucose-6-phosphate dehydrogenase; minus strand). Cytogenetic location: Xq28.
Variant type: single nucleotide variant.
Coding change: c.988C>T on transcript NM_001360016.2 (MANE Select); coding-DNA position 988, C replaced by T.
Protein change: p.Arg330Cys; replaces arginine 330 with cysteine.
Molecular consequence: missense variant.
Genome position (GRCh38, 1-based): chrX:154,533,005, G>A on the plus strand (C>T on the coding strand, the complement: G6PD is on the minus strand). VCF-style: chrX-154533005-G-A. GRCh37 (hg19) VCF-style: chrX-153761220-G-A.
Other names: p.Arg330Cys; c.1078C>T, p.Arg360Cys (NM_000402.4); c.988C>T, p.Arg330Cys (NM_001042351.3); short protein forms R330C, R360C.
Identifiers: ClinVar variation 1722703 (VCV001722703.4), dbSNP rs782699946, ClinGen allele CA10566103.